The following is an entry in ClinVar:

NM_001100.4(ACTA1):c.977_979dup (p.Thr326_Met327insThr)

Gene: ACTA1 (actin alpha 1, skeletal muscle; minus strand). Cytogenetic location: 1q42.13.
Variant type: Duplication.
Coding change: c.977_979dup on transcript NM_001100.4 (MANE Select); coding-DNA positions 977 to 979, 3 bases duplicated (CCA; older notation c.977_979dupCCA).
Protein change: p.Thr326_Met327insThr.
Molecular consequence: inframe insertion.
Genome position (GRCh38, 1-based): chr1:229,431,732-229,431,734, TGG duplicated on the plus strand (CCA on the coding strand, the reverse complement: ACTA1 is on the minus strand); duplicating any 3 consecutive bases within chr1:229,431,732-229,431,736 gives the same sequence; the c. name uses the placement nearest the transcript's 3' end. VCF-style (leftmost placement, unchanged base first): chr1-229431731-A-ATGG. GRCh37 (hg19) VCF-style: chr1-229567478-A-ATGG.
Identifiers: ClinVar variation 3338291 (VCV003338291.2).

ClinVar aggregate classification (germline): Uncertain significance (1 of 4 stars; one submission).

Conditions:
ACTA1-related congenital myopathy disorders.

Submission:

Kasturba Medical College, Manipal, Kasturba Medical College, Manipal, Manipal Academy of Higher Education, Manipal, India
Classification: Uncertain significance for ACTA1-related congenital myopathy disorders. Review status: criteria provided, single submitter. Criteria: ACMG Guidelines, 2015. Collection method: clinical testing. Allele origin: de novo. Inheritance: Autosomal dominant inheritance. Affected: yes. Observed: 1 heterozygote.
Comment: In-silico tools (MutationTaster, SIFT_indel) are consistent in predicting the variant to be damaging the ACTA1 protein function.